The following is an entry in ClinVar:

NM_004186.5(SEMA3F):c.22C>T (p.Leu8Phe)

Gene: SEMA3F (semaphorin 3F; plus strand). Cytogenetic location: 3p21.31.
Variant type: single nucleotide variant.
Coding change: c.22C>T on transcript NM_004186.5 (MANE Select); coding-DNA position 22, C replaced by T.
Protein change: p.Leu8Phe; replaces leucine 8 with phenylalanine.
Molecular consequence: missense variant. On other transcripts: intron variant (1).
Genome position (GRCh38, 1-based): chr3:50,159,644, C>T. VCF-style: chr3-50159644-C-T. GRCh37 (hg19) VCF-style: chr3-50197077-C-T.
Other names: c.22C>T, p.Leu8Phe (NM_001318800.2); c.-135-48C>T (NM_001318798.2); short protein forms L8F.
Identifiers: ClinVar variation 3355965 (VCV003355965.1).

ClinVar aggregate classification (germline): Uncertain significance (0 of 4 stars; one submission).

Conditions:
SEMA3F-related disorder. Also called: SEMA3F-related condition.

gnomAD v4.1: 3 of 1,612,030 alleles (0.00019%); highest among the groups gnomAD compares: Non-Finnish European, 0.00025%; no homozygotes.

Submission:

PreventionGenetics, part of Exact Sciences
Classification: Uncertain significance for SEMA3F-related condition. Last evaluated: 2024-03-27. Review status: no assertion criteria provided. Collection method: clinical testing. Allele origin: germline.
Comment: The SEMA3F c.22C>T variant is predicted to result in the amino acid substitution p.Leu8Phe. To our knowledge, this variant has not been reported in the literature. This variant is reported in 0.0065% of alleles in individuals of European (Non-Finnish) descent in gnomAD. At this time, the clinical significance of this variant is uncertain due to the absence of conclusive functional and genetic evidence.